The following is an entry in ClinVar:

ClinVar aggregate classification (germline): Uncertain significance (1 of 4 stars; one submission).

Conditions:
Cardiovascular phenotype. Identifiers: MedGen CN230736.

gnomAD v4.1: 2 of 1,603,778 alleles (0.00012%); highest among the groups gnomAD compares: Non-Finnish European, 0.00017%; no homozygotes.

Submission:

Ambry Genetics
Classification: Uncertain significance for Cardiovascular phenotype. Last evaluated: 2026-05-17. Review status: criteria provided, single submitter. Criteria: Ambry Variant Classification Scheme 2023. Collection method: clinical testing. Allele origin: germline.
Comment: The p.V300F variant (also known as c.898G>T), located in coding exon 8 of the LIPA gene, results from a G to T substitution at nucleotide position 898. The valine at codon 300 is replaced by phenylalanine, an amino acid with highly similar properties. This amino acid position is conserved. In addition, this alteration is predicted to be tolerated by in silico analysis. Based on the available evidence, the clinical significance of this variant remains unclear.

NM_000235.4(LIPA):c.898G>T (p.Val300Phe)

Gene: LIPA (lipase A, lysosomal acid type; minus strand). Cytogenetic location: 10q23.31.
Variant type: single nucleotide variant.
Coding change: c.898G>T on transcript NM_000235.4 (MANE Select); coding-DNA position 898, G replaced by T.
Protein change: p.Val300Phe; replaces valine 300 with phenylalanine.
Molecular consequence: missense variant.
Genome position (GRCh38, 1-based): chr10:89,216,006, C>A on the plus strand (G>T on the coding strand, the complement: LIPA is on the minus strand). VCF-style: chr10-89216006-C-A. GRCh37 (hg19) VCF-style: chr10-90975763-C-A.
Other names: c.898G>T, p.Val300Phe (NM_001440834.1, NM_001440835.1, NM_001127605.3 and 16 more transcripts); c.1030G>T, p.Val344Phe (NM_001440836.1); c.919G>T, p.Val307Phe (NM_001440837.1); c.913G>T, p.Val305Phe (NM_001440838.1); c.730G>T, p.Val244Phe (NM_001440839.1); c.550G>T, p.Val184Phe (NM_001288979.2); short protein forms V184F, V244F, V300F, V305F, V307F, V344F.
Identifiers: ClinVar variation 4859212 (VCV004859212.1).
Genomic context (GRCh38, chr10:89,216,006, plus strand): 5'-AATGAAAATAATTCTTGGCACTGCTTCCCCAGTCAAAGGCTTGAAACTTTTGGAATTTAA[C>A]AGCCTAAAAAGAAGATAATTTGGAAAAGAGTTATCTGACACCAAAGTTAGAGATAACATC-3'
Protein context (NP_000226.2, residues 290-310): VQNMLHWSQA[Val300Phe]KFQKFQAFDW